The following is an entry in ClinVar:

ClinVar aggregate classification (germline): Uncertain significance (1 of 4 stars; one submission).

Allele frequency attached by ClinVar (database versions not stated): gnomAD exomes below 0.00001.
gnomAD v4.1: 1 of 1,611,188 alleles (0.000062%); highest among the groups gnomAD compares: South Asian, 0.0011%; no homozygotes.

Submission:

Labcorp Genetics (formerly Invitae), Labcorp
Classification: Uncertain significance. Last evaluated: 2022-08-23. Review status: criteria provided, single submitter. Criteria: Invitae Variant Classification Sherloc (09022015). Collection method: clinical testing. Allele origin: germline.
Comment: This sequence change replaces alanine, which is neutral and non-polar, with valine, which is neutral and non-polar, at codon 1324 of the PCNT protein (p.Ala1324Val). This variant is not present in population databases (gnomAD no frequency). This variant has not been reported in the literature in individuals affected with PCNT-related conditions. In summary, the available evidence is currently insufficient to determine the role of this variant in disease. Therefore, it has been classified as a Variant of Uncertain Significance. Algorithms developed to predict the effect of sequence changes on RNA splicing suggest that this variant may create or strengthen a splice site. Algorithms developed to predict the effect of missense changes on protein structure and function are either unavailable or do not agree on the potential impact of this missense change (SIFT: "Tolerated"; PolyPhen-2: "Possibly Damaging"; Align-GVGD: "Class C0"). ClinVar contains an entry for this variant (Variation ID: 1424425).

NM_006031.6(PCNT):c.3971C>T (p.Ala1324Val)

Gene: PCNT (pericentrin; plus strand). Cytogenetic location: 21q22.3.
Variant type: single nucleotide variant.
Coding change: c.3971C>T on transcript NM_006031.6 (MANE Select); coding-DNA position 3971, C replaced by T.
Protein change: p.Ala1324Val; replaces alanine 1324 with valine.
Molecular consequence: missense variant.
Genome position (GRCh38, 1-based): chr21:46,390,800, C>T. VCF-style: chr21-46390800-C-T. GRCh37 (hg19) VCF-style: chr21-47810715-C-T.
Other names: c.3617C>T, p.Ala1206Val (NM_001315529.2); short protein forms A1206V, A1324V.
Identifiers: ClinVar variation 1424425 (VCV001424425.8), dbSNP rs2147300447, ClinGen allele CA410576377.